The following is an entry in ClinVar:

NM_014871.6(PAN2):c.1707C>T (p.Leu569=)

Gene: PAN2 (poly(A) specific ribonuclease subunit PAN2; minus strand). Cytogenetic location: 12q13.3.
Variant type: single nucleotide variant.
Coding change: c.1707C>T on transcript NM_014871.6 (MANE Select); coding-DNA position 1707, C replaced by T.
Protein change: p.Leu569=; no amino-acid change (leucine 569 retained).
Molecular consequence: synonymous variant.
Genome position (GRCh38, 1-based): chr12:56,324,602, G>A on the plus strand (C>T on the coding strand, the complement: PAN2 is on the minus strand). VCF-style: chr12-56324602-G-A. GRCh37 (hg19) VCF-style: chr12-56718386-G-A.
Other names: c.1707C>T, p.Leu569= (NM_001127460.4, NM_001166279.3, NM_001394699.1 and 8 more transcripts); c.1290C>T, p.Leu430= (NM_001394708.1).
Identifiers: ClinVar variation 5038579 (VCV005038579.1).

ClinVar aggregate classification (germline): Likely benign (1 of 4 stars; one submission).

gnomAD v4.1: 4 of 1,614,088 alleles (0.00025%); highest among the groups gnomAD compares: Middle Eastern, 0.016%; no homozygotes.

Submission:

CeGaT Center for Human Genetics Tuebingen
Classification: Likely benign. Last evaluated: 2026-09-01. Review status: criteria provided, single submitter. Criteria: CeGaT Center For Human Genetics Tuebingen Variant Classification Criteria Version 2. Collection method: clinical testing. Allele origin: germline. Affected: yes. Observed: 2 variant alleles.
Comment: PAN2: BP4, BP7